The following is an entry in ClinVar:

ClinVar aggregate classification (germline): Likely benign. Review status: reviewed by expert panel (3 of 4 stars). 4 submissions from 4 submitters: Likely benign (1). 3 of the submissions do not count toward it. Last evaluated 2017-06-29.

Conditions:
Hereditary cancer-predisposing syndrome. Also called: Tumor predisposition; Hereditary Cancer Syndrome; Neoplastic Syndromes, Hereditary; Hereditary neoplastic syndrome. Identifiers: Orphanet 140162, MedGen C0027672, MeSH D009386, MONDO:0015356.
Breast-ovarian cancer, familial, susceptibility to, 1 (BROVCA1). Also called: BRCA1 Hereditary Breast and Ovarian Cancer; OVARIAN CANCER, SUSCEPTIBILITY TO. Identifiers: Orphanet 145, MedGen C2676676, MONDO:0011450, OMIM 604370. Disease mechanism: loss of function.
Hereditary breast ovarian cancer syndrome. Also called: Breast and ovarian cancer; Hereditary breast and ovarian cancer; Hereditary breast and ovarian cancer syndrome; Hereditary breast and/or ovarian cancer syndrome; BRCA1- and BRCA2-Associated Hereditary Breast and Ovarian Cancer; Hereditary breast and ovarian cancer syndrome (HBOC). Identifiers: Orphanet 145, MedGen C0677776, MeSH D061325, MONDO:0003582. Disease mechanism: loss of function.

Submissions (4):

Evidence-based Network for the Interpretation of Germline Mutant Alleles (ENIGMA)
Classification: Likely benign for Breast-ovarian cancer, familial, susceptibility to, 1. Last evaluated: 2017-06-29. Review status: reviewed by expert panel. Criteria: ENIGMA BRCA1/2 Classification Criteria (2017-06-29). Collection method: curation. Allele origin: germline.
Comment: Synonymous substitution variant, with low bioinformatic likelihood to result in a splicing aberration (Splicing prior probability 0.02).

Labcorp Genetics (formerly Invitae), Labcorp
Classification: Likely benign for Hereditary breast ovarian cancer syndrome. Last evaluated: 2024-10-31. Review status: criteria provided, single submitter. Criteria: Invitae Variant Classification Sherloc (09022015). Collection method: clinical testing. Allele origin: germline. Not counted in ClinVar's aggregate classification.

Color Diagnostics, LLC DBA Color Health
Classification: Likely benign for Hereditary cancer-predisposing syndrome. Last evaluated: 2016-06-13. Review status: criteria provided, single submitter. Criteria: ACMG Guidelines, 2015. Collection method: clinical testing. Allele origin: germline. Not counted in ClinVar's aggregate classification.

Ambry Genetics
Classification: Likely benign for Hereditary cancer-predisposing syndrome. Last evaluated: 2015-04-10. Review status: criteria provided, single submitter. Criteria: Ambry Variant Classification Scheme 2023. Collection method: clinical testing. Allele origin: germline. Not counted in ClinVar's aggregate classification.

NM_007294.4(BRCA1):c.1707C>T (p.Asn569=)

Gene: BRCA1 (BRCA1 DNA repair associated; minus strand). Cytogenetic location: 17q21.31.
Variant type: single nucleotide variant.
Coding change: c.1707C>T on transcript NM_007294.4 (MANE Select); coding-DNA position 1707, C replaced by T.
Protein change: p.Asn569=; no amino-acid change (asparagine 569 retained).
Molecular consequence: synonymous variant. On other transcripts: intron variant (137).
Genome position (GRCh38, 1-based): chr17:43,093,824, G>A on the plus strand (C>T on the coding strand, the complement: BRCA1 is on the minus strand). VCF-style: chr17-43093824-G-A. GRCh37 (hg19) VCF-style: chr17-41245841-G-A.
Other names: c.819C>T, p.Asn273= (NM_001407966.1, NM_001407967.1); c.1566C>T, p.Asn522= (NM_007297.4, NM_001407692.1, NM_001407694.1 and 29 more transcripts); c.1707C>T, p.Asn569= (NM_007300.4, NM_001407581.1, NM_001407582.1 and 30 more transcripts); c.646+920C>T (NM_001408458.1, NM_001408469.1, NM_001408453.1 and 11 more transcripts); c.283+920C>T (NM_001408512.1); c.406+920C>T (NM_001408510.1); c.643+920C>T (NM_001408470.1, NM_001408464.1, NM_001408468.1 and 3 more transcripts); c.784+920C>T (NM_001408397.1, NM_001408401.1, NM_001408396.1 and 13 more transcripts); and 40 more.
Identifiers: ClinVar variation 231352 (VCV000231352.19), dbSNP rs876659110, ClinGen allele CA10580658.
Genomic context (GRCh38, chr17:43,093,824, plus strand): 5'-GCTGCTTATAGGTTCAGCTTTCGTTTTGAAAGCAGATTCTTTTTCGAGTGATTCTATTGG[G>A]TTAGGATTTTTCTCATTCTGAATAGAATCACCTTTTGTTTTATTCTCATGACCACTATTA-3'
Protein context (NP_009225.1, residues 559-579): GDSIQNEKNP[Asn569=]PIESLEKESA